The following is an entry in ClinVar:

NM_006767.4(LZTR1):c.1005_1012del (p.Glu336fs)

Gene: LZTR1 (leucine zipper like post translational regulator 1; plus strand). Cytogenetic location: 22q11.21.
Variant type: Deletion.
Coding change: c.1005_1012del on transcript NM_006767.4 (MANE Select); coding-DNA positions 1005 to 1012, 8 bases deleted (TGAAGTGC; older notation c.1005_1012delTGAAGTGC).
Protein change: p.Glu336fs; shifts the reading frame from glutamic acid 336.
Molecular consequence: frameshift variant.
Genome position (GRCh38, 1-based): chr22:20,992,225-20,992,232, TGAAGTGC deleted; deleting any 8 consecutive bases within chr22:20,992,223-20,992,232 gives the same sequence; the c. name uses the placement nearest the transcript's 3' end. VCF-style (leftmost placement, unchanged base first): chr22-20992222-GGCTGAAGT-G. GRCh37 (hg19) VCF-style: chr22-21346511-GGCTGAAGT-G.
Other names: short protein forms E336fs.
Identifiers: ClinVar variation 452306 (VCV000452306.10), dbSNP rs753474547, ClinGen allele CA10118694.
Genomic context (GRCh38, chr22:20,992,222, plus strand): 5'-CCTACCTGGCCCTTGCCAACTGGTCTCATGCCCATGTGTCTCCCCTCTTCAGGTTGGTGG[GGCTGAAGT>G]GCCCGAGCGAGCCTGTGCTTCCGAGGAGGTGCCCACCCTGACCTATGAGGAGCGGGTTGG-3'

ClinVar aggregate classification (germline): Pathogenic/Likely pathogenic. Review status: criteria provided, multiple submitters, no conflicts (2 of 4 stars). 4 submissions from 4 submitters: Pathogenic (2); Likely pathogenic (2). Last evaluated 2026-04-02.

Conditions:
LZTR1-related schwannomatosis. Also called: Schwannomatosis-2, susceptibility to; Schwannomatosis 2. Identifiers: Orphanet 93921, MedGen C3810283, MONDO:0014299, OMIM 615670.
Hereditary cancer-predisposing syndrome. Also called: Hereditary Cancer Syndrome; Tumor predisposition; Hereditary neoplastic syndrome; Neoplastic Syndromes, Hereditary. Identifiers: Orphanet 140162, MedGen C0027672, MeSH D009386, MONDO:0015356.
Cardiovascular phenotype. Identifiers: MedGen CN230736.

Submissions (4):

Ambry Genetics
Classification: Pathogenic for Cardiovascular phenotype; Hereditary cancer-predisposing syndrome. Last evaluated: 2026-04-02. Review status: criteria provided, single submitter. Criteria: Ambry Variant Classification Scheme 2023. Collection method: clinical testing. Allele origin: germline.
Comment: The c.1005_1012delTGAAGTGC pathogenic mutation, located in coding exon 10 of the LZTR1 gene, results from a deletion of 8 nucleotides at nucleotide positions 1005 to 1012, causing a translational frameshift with a predicted alternate stop codon (p.E336Rfs*15). This alteration is expected to result in loss of function by premature protein truncation or nonsense-mediated mRNA decay. Loss-of-function variants in LZTR1 are related to an increased risk for schwannomas and autosomal recessive Noonan syndrome; however, such associations with autosomal dominant Noonan syndrome have not been observed (Piotrowski A et al. Nat Genet. 2014 Feb;46:182-7; Yamamoto GL et al. J Med Genet. 2015 Jun;52:413-21; Johnston JJ et al. Genet Med. 2018 10;20:1175-1185). Based on the supporting evidence, this variant is pathogenic for an increased risk of LZTR1-related schwannomatosis (SWN) and would be expected to cause autosomal recessive Noonan syndrome when present along with a second pathogenic or likely pathogenic variant on the other allele; however, the association of this alteration with autosomal dominant Noonan syndrome is unlikely.

Labcorp Genetics (formerly Invitae), Labcorp
Classification: Pathogenic. Last evaluated: 2025-12-05. Review status: criteria provided, single submitter. Criteria: Invitae Variant Classification Sherloc (09022015). Collection method: clinical testing. Allele origin: germline.
Comment: This sequence change creates a premature translational stop signal (p.Glu336Argfs*15) in the LZTR1 gene. It is expected to result in an absent or disrupted protein product. Loss-of-function variants in LZTR1 are known to be pathogenic (PMID: 24362817, 25335493, 25480913, 25795793, 29469822, 30368668, 30442762, 30442766, 30481304, 30859559). This variant is present in population databases (rs753474547, gnomAD 0.01%). This variant has not been reported in the literature in individuals affected with LZTR1-related conditions. ClinVar contains an entry for this variant (Variation ID: 452306). For these reasons, this variant has been classified as Pathogenic.

Baylor Genetics
Classification: Likely pathogenic for LZTR1-related schwannomatosis. Last evaluated: 2023-11-14. Review status: criteria provided, single submitter. Criteria: ACMG Guidelines, 2015. Collection method: clinical testing. Allele origin: unknown.

GeneDx
Classification: Likely pathogenic. Last evaluated: 2017-09-19. Review status: criteria provided, single submitter. Criteria: GeneDx Variant Classification (06012015). Collection method: clinical testing. Allele origin: germline. Affected: yes.
Comment: The c.1005_1012delTGAAGTGC variant in the LZTR1 gene causes a frameshift starting with codon Glutamic acid 336, changes this amino acid to an Arginine residue and creates a premature Stop codon at position 15 of the new reading frame, denoted p.Glu336ArgfsX15. This variant is predicted to cause loss of normal protein function either through protein truncation or nonsense-mediated mRNA decay. However, in the absence of RNA/functional studies, the actual effect of this sequence change in this individual is unknown. The c.1005_1012delTGAAGTGC variant is not observed in large population cohorts (Lek et al., 2016; 1000 Genomes Consortium et al., 2015; Exome Variant Server). Therefore, this variant is likely pathogenic. RASopathy spectrum phenotypes are historically predicted to result from gain-of-function disease mechanisms in this gene. Loss-of-function variants in the LZTR1 gene are associated with a predisposition to multiple schwannomas following a two-hit model. The lifetime risk of developing multiple schwannomas when harboring a single variant in the LZTR1 gene is currently unknown.

Literature cited by the submitters: PubMed 24362817 (cited by Labcorp Genetics (formerly Invitae), Labcorp); PubMed 25335493 (cited by Labcorp Genetics (formerly Invitae), Labcorp); PubMed 25480913 (cited by Labcorp Genetics (formerly Invitae), Labcorp); PubMed 25795793 (cited by Labcorp Genetics (formerly Invitae), Labcorp); PubMed 29469822 (cited by Labcorp Genetics (formerly Invitae), Labcorp); PubMed 30368668 (cited by Labcorp Genetics (formerly Invitae), Labcorp); PubMed 30442762 (cited by Labcorp Genetics (formerly Invitae), Labcorp); PubMed 30442766 (cited by Labcorp Genetics (formerly Invitae), Labcorp); PubMed 30481304 (cited by Labcorp Genetics (formerly Invitae), Labcorp); PubMed 30859559 (cited by Labcorp Genetics (formerly Invitae), Labcorp).